The following is an entry in ClinVar:

ClinVar aggregate classification (germline): Uncertain significance. Review status: criteria provided, multiple submitters, no conflicts (2 of 4 stars). 2 submissions from 2 submitters: Uncertain significance (2). Last evaluated 2021-08-31.

Conditions:
Nemaline myopathy 2 (NEM2). Also called: Nemaline myopathy 2, autosomal recessive. Identifiers: MedGen C1850569, MONDO:0009725, OMIM 256030.

Allele frequency attached by ClinVar (database versions not stated): TOPMed below 0.00001; gnomAD 0.00001.
gnomAD v4.1: 1 of 1,612,286 alleles (0.000062%); highest among the groups gnomAD compares: African/African-American, 0.0013%; no homozygotes.

Submissions (2):

Labcorp Genetics (formerly Invitae), Labcorp
Classification: Uncertain significance for Nemaline myopathy 2. Last evaluated: 2021-08-31. Review status: criteria provided, single submitter. Criteria: Invitae Variant Classification Sherloc (09022015). Collection method: clinical testing. Allele origin: germline.
Comment: This sequence change replaces methionine with isoleucine at codon 8278 of the NEB protein (p.Met8278Ile). The methionine residue is moderately conserved and there is a small physicochemical difference between methionine and isoleucine. This variant is not present in population databases (ExAC no frequency). This variant has not been reported in the literature in individuals affected with NEB-related conditions. Algorithms developed to predict the effect of missense changes on protein structure and function are either unavailable or do not agree on the potential impact of this missense change (SIFT: "Deleterious"; PolyPhen-2: "Not Available"; Align-GVGD: "Class C0"). In summary, the available evidence is currently insufficient to determine the role of this variant in disease. Therefore, it has been classified as a Variant of Uncertain Significance.

Revvity Omics, Revvity
Classification: Uncertain significance. Last evaluated: 2019-07-18. Review status: criteria provided, single submitter. Criteria: ACMG Guidelines, 2015. Collection method: clinical testing. Allele origin: germline.

NM_001164508.2(NEB):c.24729G>A (p.Met8243Ile)

Genes: NEB (nebulin; minus strand), RIF1 (replication timing regulatory factor 1; plus strand). Cytogenetic location: 2q23.3.
Variant type: single nucleotide variant.
Coding change: c.24729G>A on transcript NM_001164508.2 (MANE Select); coding-DNA position 24729, G replaced by A.
Protein change: p.Met8243Ile; replaces methionine 8243 with isoleucine.
Molecular consequence: missense variant.
Genome position (GRCh38, 1-based): chr2:151,493,389, C>T on the plus strand (G>A on the coding strand, the complement: NEB is on the minus strand). VCF-style: chr2-151493389-C-T. GRCh37 (hg19) VCF-style: chr2-152349903-C-T.
Other names: c.24729G>A, p.Met8243Ile (NM_001164507.2); c.24834G>A, p.Met8278Ile (NM_001271208.2); c.19161G>A, p.Met6387Ile (NM_004543.5); short protein forms M6387I, M8243I, M8278I.
Identifiers: ClinVar variation 837297 (VCV000837297.9), dbSNP rs2058043130, ClinGen allele CA348774726.